The following is an entry in ClinVar:

NM_002495.4(NDUFS4):c.197_198delinsAC (p.Gly66Asp)

Gene: NDUFS4 (NADH:ubiquinone oxidoreductase subunit S4; plus strand). Cytogenetic location: 5q11.2.
Variant type: Indel.
Coding change: c.197_198delinsAC on transcript NM_002495.4 (MANE Select); coding-DNA positions 197 to 198, GA replaced by AC.
Protein change: p.Gly66Asp; replaces glycine 66 with aspartic acid.
Molecular consequence: missense variant. On other transcripts: non-coding transcript variant (3).
Genome position (GRCh38, 1-based): chr5:53,646,252-53,646,253, GA replaced by AC. VCF-style: chr5-53646252-GA-AC. GRCh37 (hg19) VCF-style: chr5-52942082-GA-AC.
Other names: c.197_198delinsAC, p.Gly66Asp (NM_001318051.2); short protein forms G66D.
Identifiers: ClinVar variation 3372022 (VCV003372022.1).

ClinVar aggregate classification (germline): Uncertain significance (1 of 4 stars; one submission).

Submission:

GeneDx
Classification: Uncertain significance. Last evaluated: 2024-04-02. Review status: criteria provided, single submitter. Criteria: GeneDx Variant Classification Process June 2021. Collection method: clinical testing. Allele origin: germline. Affected: yes.
Comment: Not observed at significant frequency in large population cohorts (gnomAD); In silico analysis supports a deleterious effect on protein structure/function; Has not been previously published as pathogenic or benign to our knowledge